The following is an entry in ClinVar:

ClinVar aggregate classification (germline): Uncertain significance (1 of 4 stars; one submission).

Conditions:
3-hydroxyisobutyryl-CoA hydrolase deficiency. Also called: Reduced circulating 3-hydroxyisobutyryl-CoA hydrolase activity; Deficiency of 3-hydroxyisobutyryl CoA hydrolase; VALINE METABOLIC DEFECT; HIBCH DEFICIENCY; METHACRYLIC ACID TOXICITY; METHACRYLIC ACIDURIA. Identifiers: Orphanet 88639, MedGen C0342738, MONDO:0009603, OMIM 250620, HP:6000215.

Submission:

Labcorp Genetics (formerly Invitae), Labcorp
Classification: Uncertain significance for 3-hydroxyisobutyryl-CoA hydrolase deficiency. Last evaluated: 2022-01-06. Review status: criteria provided, single submitter. Criteria: Invitae Variant Classification Sherloc (09022015). Collection method: clinical testing. Allele origin: germline.
Comment: In summary, the available evidence is currently insufficient to determine the role of this variant in disease. Therefore, it has been classified as a Variant of Uncertain Significance. Algorithms developed to predict the effect of missense changes on protein structure and function are either unavailable or do not agree on the potential impact of this missense change (SIFT: "Deleterious"; PolyPhen-2: "Possibly Damaging"; Align-GVGD: "Class C0"). ClinVar contains an entry for this variant (Variation ID: 664250). This variant has not been reported in the literature in individuals affected with HIBCH-related conditions. This variant is not present in population databases (gnomAD no frequency). This sequence change replaces isoleucine, which is neutral and non-polar, with methionine, which is neutral and non-polar, at codon 351 of the HIBCH protein (p.Ile351Met).

NM_014362.4(HIBCH):c.1053T>G (p.Ile351Met)

Gene: HIBCH (3-hydroxyisobutyryl-CoA hydrolase; minus strand). Cytogenetic location: 2q32.2.
Variant type: single nucleotide variant.
Coding change: c.1053T>G on transcript NM_014362.4 (MANE Select); coding-DNA position 1053, T replaced by G.
Protein change: p.Ile351Met; replaces isoleucine 351 with methionine.
Molecular consequence: missense variant. On other transcripts: 3 prime UTR variant (1).
Genome position (GRCh38, 1-based): chr2:190,205,225, A>C on the plus strand (T>G on the coding strand, the complement: HIBCH is on the minus strand). VCF-style: chr2-190205225-A-C. GRCh37 (hg19) VCF-style: chr2-191069951-A-C.
Other names: c.*2T>G (NM_198047.3); short protein forms I351M.
Identifiers: ClinVar variation 664250 (VCV000664250.10), dbSNP rs1575690635, ClinGen allele CA349893595.